The following is an entry in ClinVar:

ClinVar aggregate classification (germline): Uncertain significance (1 of 4 stars; one submission).

Conditions:
Hereditary breast ovarian cancer syndrome. Also called: Hereditary breast and ovarian cancer; BRCA1- and BRCA2-Associated Hereditary Breast and Ovarian Cancer; Hereditary breast and ovarian cancer syndrome; Breast and ovarian cancer; Hereditary breast and ovarian cancer syndrome (HBOC); Hereditary breast and/or ovarian cancer syndrome. Identifiers: Orphanet 145, MedGen C0677776, MeSH D061325, MONDO:0003582. Disease mechanism: loss of function.

Submission:

Labcorp Genetics (formerly Invitae), Labcorp
Classification: Uncertain significance for Hereditary breast ovarian cancer syndrome. Last evaluated: 2022-12-09. Review status: criteria provided, single submitter. Criteria: Invitae Variant Classification Sherloc (09022015). Collection method: clinical testing. Allele origin: germline.
Comment: This sequence change replaces threonine, which is neutral and polar, with lysine, which is basic and polar, at codon 598 of the BRCA2 protein (p.Thr598Lys). This variant is not present in population databases (gnomAD no frequency). This variant has not been reported in the literature in individuals affected with BRCA2-related conditions. Advanced modeling of protein sequence and biophysical properties (such as structural, functional, and spatial information, amino acid conservation, physicochemical variation, residue mobility, and thermodynamic stability) performed at Invitae indicates that this missense variant is not expected to disrupt BRCA2 protein function. In summary, the available evidence is currently insufficient to determine the role of this variant in disease. Therefore, it has been classified as a Variant of Uncertain Significance.

NM_000059.4(BRCA2):c.1793C>A (p.Thr598Lys)

Gene: BRCA2 (BRCA2 DNA repair associated; plus strand). Cytogenetic location: 13q13.1.
Variant type: single nucleotide variant.
Coding change: c.1793C>A on transcript NM_000059.4 (MANE Select); coding-DNA position 1793, C replaced by A.
Protein change: p.Thr598Lys; replaces threonine 598 with lysine.
Molecular consequence: missense variant. On other transcripts: non-coding transcript variant (1), intron variant (1).
Genome position (GRCh38, 1-based): chr13:32,333,271, C>A. VCF-style: chr13-32333271-C-A. GRCh37 (hg19) VCF-style: chr13-32907408-C-A.
Other names: c.1793C>A, p.Thr598Lys (NM_001406719.1, NM_001406720.1, NM_001406721.1); c.424+2241C>A (NM_001406722.1); short protein forms T598K.
Identifiers: ClinVar variation 2819627 (VCV002819627.3), dbSNP rs80358462, ClinGen allele CA387765791.